The following is an entry in ClinVar:

NM_000037.4(ANK1):c.2495G>A (p.Arg832Gln)

Gene: ANK1 (ankyrin 1; minus strand). Cytogenetic location: 8p11.21.
Variant type: single nucleotide variant.
Coding change: c.2495G>A on transcript NM_000037.4 (MANE Select); coding-DNA position 2495, G replaced by A.
Protein change: p.Arg832Gln; replaces arginine 832 with glutamine.
Molecular consequence: missense variant.
Genome position (GRCh38, 1-based): chr8:41,699,515, C>T on the plus strand (G>A on the coding strand, the complement: ANK1 is on the minus strand). VCF-style: chr8-41699515-C-T. GRCh37 (hg19) VCF-style: chr8-41557033-C-T.
Other names: c.2618G>A, p.Arg873Gln (NM_001142446.2); c.2495G>A, p.Arg832Gln (NM_020475.3, NM_020476.3, NM_020477.3); short protein forms R873Q, R832Q.
Identifiers: ClinVar variation 235569 (VCV000235569.25), dbSNP rs34523608, ClinGen allele CA4728201.

ClinVar aggregate classification (germline): Conflicting classifications of pathogenicity. Review status: criteria provided, conflicting classifications (1 of 4 stars). 6 submissions from 5 submitters: Uncertain significance (1); Benign (3); Likely benign (2). Last evaluated 2026-01-17.

Conditions:
Hereditary spherocytosis type 1. Also called: Spherocytosis type 1; ANK1-Related Spherocytosis. Identifiers: Orphanet 822, MedGen C2674218, MONDO:0008447, OMIM 182900.
Spherocytosis. Identifiers: MedGen C0553720, HP:0004444.

Allele frequency attached by ClinVar (database versions not stated): gnomAD exomes 0.00150; ExAC 0.00179; ESP Exome Variant Server 0.00638; 1000 Genomes Project 0.00659; TOPMed 0.00669; 1000 Genomes Project 30x 0.00812.
gnomAD v4.1: 1,791 of 1,614,152 alleles (0.11%); highest among the groups gnomAD compares: African/African-American, 2.2%; 16 homozygotes.

Submissions (6):

Labcorp Genetics (formerly Invitae), Labcorp
Classification: Benign. Last evaluated: 2026-01-17. Review status: criteria provided, single submitter. Criteria: Invitae Variant Classification Sherloc (09022015). Collection method: clinical testing. Allele origin: germline.

Mayo Clinic Laboratories, Mayo Clinic
Classification: Likely benign. Last evaluated: 2025-11-04. Review status: criteria provided, single submitter. Criteria: ACMG Guidelines, 2015. Collection method: clinical testing. Allele origin: germline. Observed: 17 variant alleles.
Comment: BP4_moderate

ARUP Laboratories, Molecular Genetics and Genomics, ARUP Laboratories
Classification: Benign for Hereditary spherocytosis type 1. Last evaluated: 2025-07-14. Review status: criteria provided, single submitter. Criteria: ARUP Molecular Germline Variant Investigation Process 2024. Collection method: clinical testing. Allele origin: germline.

Illumina Laboratory Services, Illumina
Classification: Benign for Hereditary spherocytosis type 1. Last evaluated: 2018-01-13. Review status: criteria provided, single submitter. Criteria: ICSL Variant Classification Criteria 13 December 2019. Collection method: clinical testing. Allele origin: germline.
Comment: This variant was observed in the ICSL laboratory as part of a predisposition screen in an ostensibly healthy population. It had not been previously curated by ICSL or reported in the Human Gene Mutation Database (HGMD: prior to June 1st, 2018), and was therefore a candidate for classification through an automated scoring system. Utilizing variant allele frequency, disease prevalence and penetrance estimates, and inheritance mode, an automated score was calculated to assess if this variant is too frequent to cause the disease. Based on the score and internal cut-off values, a variant classified as benign is not then subjected to further curation. The score for this variant resulted in a classification of benign for this disease.

Illumina Laboratory Services, Illumina
Classification: Uncertain significance for Spherocytosis. Last evaluated: 2018-01-13. Review status: criteria provided, single submitter. Criteria: ICSL Variant Classification Criteria 13 December 2019. Collection method: clinical testing. Allele origin: germline.

Center for Pediatric Genomic Medicine, Children's Mercy Hospital and Clinics
Classification: Likely benign. Last evaluated: 2015-08-25. Review status: criteria provided, single submitter. Criteria: ACMG Guidelines, 2015. Collection method: clinical testing. Allele origin: germline.
ClinVar note: Converted during submission from Likely Benign to Likely benign.